The following is an entry in ClinVar:

ClinVar aggregate classification (germline): Uncertain significance (1 of 4 stars; one submission).

Conditions:
Hereditary cancer-predisposing syndrome. Also called: Hereditary Cancer Syndrome; Neoplastic Syndromes, Hereditary; Tumor predisposition; Hereditary neoplastic syndrome. Identifiers: Orphanet 140162, MedGen C0027672, MeSH D009386, MONDO:0015356.

Allele frequency attached by ClinVar (database versions not stated): gnomAD exomes 0.00001.
gnomAD v4.1: 3 of 1,613,086 alleles (0.00019%); highest among the groups gnomAD compares: Admixed American, 0.005%; no homozygotes.

Submission:

Ambry Genetics
Classification: Uncertain significance for Hereditary cancer-predisposing syndrome. Last evaluated: 2022-06-23. Review status: criteria provided, single submitter. Criteria: Ambry Variant Classification Scheme 2023. Collection method: clinical testing. Allele origin: germline.
Comment: The p.S173I variant (also known as c.518G>T), located in coding exon 5 of the MRE11A gene, results from a G to T substitution at nucleotide position 518. The serine at codon 173 is replaced by isoleucine, an amino acid with dissimilar properties. This amino acid position is poorly conserved in available vertebrate species. In addition, this alteration is predicted to be tolerated by in silico analysis. Since supporting evidence is limited at this time, the clinical significance of this alteration remains unclear.

NM_005591.4(MRE11):c.518G>T (p.Ser173Ile)

Gene: MRE11 (MRE11 double strand break repair nuclease; minus strand). Cytogenetic location: 11q21.
Variant type: single nucleotide variant.
Coding change: c.518G>T on transcript NM_005591.4 (MANE Select); coding-DNA position 518, G replaced by T.
Protein change: p.Ser173Ile; replaces serine 173 with isoleucine.
Molecular consequence: missense variant.
Genome position (GRCh38, 1-based): chr11:94,478,761, C>A on the plus strand (G>T on the coding strand, the complement: MRE11 is on the minus strand). VCF-style: chr11-94478761-C-A. GRCh37 (hg19) VCF-style: chr11-94211927-C-A.
Other names: c.518G>T, p.Ser173Ile (NM_001330347.2, NM_005590.4); short protein forms S173I.
Identifiers: ClinVar variation 479752 (VCV000479752.5), dbSNP rs1555015159, ClinGen allele CA382377314.